The following is an entry in ClinVar:

NM_052989.3(IFT122):c.1993-8C>T

Gene: IFT122 (intraflagellar transport 122; plus strand). Cytogenetic location: 3q21.3.
Variant type: single nucleotide variant.
Coding change: c.1993-8C>T on transcript NM_052989.3 (MANE Select); 8 bases into the intron before coding-DNA position 1993, C replaced by T.
Molecular consequence: intron variant.
Genome position (GRCh38, 1-based): chr3:129,492,133, C>T. VCF-style: chr3-129492133-C-T. GRCh37 (hg19) VCF-style: chr3-129210976-C-T.
Other names: c.1543-8C>T (NM_001280545.2); c.2146-8C>T (NM_052985.4); c.1969-8C>T (NM_001280541.2); c.1816-8C>T (NM_018262.4); c.1366-8C>T (NM_001280546.2); c.1660-8C>T (NM_052990.3).
Identifiers: ClinVar variation 211180 (VCV000211180.16), dbSNP rs531091599, ClinGen allele CA207129.

ClinVar aggregate classification (germline): Benign/Likely benign. Review status: criteria provided, multiple submitters, no conflicts (2 of 4 stars). 5 submissions from 5 submitters: Benign (2); Likely benign (3). Last evaluated 2025-01-11.

Conditions:
Cranioectodermal dysplasia 1 (CED1). Also called: LEVIN SYNDROME I. Identifiers: Orphanet 1515, MedGen C0432235, MONDO:0021093, OMIM 218330.

Allele frequency attached by ClinVar (database versions not stated): gnomAD exomes 0.00038 and 0.00115; ExAC 0.00136; gnomAD 0.00418 and 0.00439; TOPMed 0.00446; 1000 Genomes Project 0.00639; 1000 Genomes Project 30x 0.00687.
gnomAD v4.1: 1,214 of 1,608,360 alleles (0.075%); highest among the groups gnomAD compares: African/African-American, 1.4%; 8 homozygotes.

Submissions (5):

Labcorp Genetics (formerly Invitae), Labcorp
Classification: Benign for Cranioectodermal dysplasia 1. Last evaluated: 2025-01-11. Review status: criteria provided, single submitter. Criteria: Invitae Variant Classification Sherloc (09022015). Collection method: clinical testing. Allele origin: germline.

Blueprint Genetics
Classification: Likely benign. Last evaluated: 2024-10-02. Review status: criteria provided, single submitter. Criteria: ACMG Guidelines, 2015. Collection method: clinical testing. Allele origin: germline.

GeneDx
Classification: Likely benign. Last evaluated: 2021-04-18. Review status: criteria provided, single submitter. Criteria: GeneDx Variant Classification Process June 2021. Collection method: clinical testing. Allele origin: germline. Affected: yes.

Illumina Laboratory Services, Illumina
Classification: Benign for Cranioectodermal dysplasia 1. Last evaluated: 2018-01-12. Review status: criteria provided, single submitter. Criteria: ICSL Variant Classification Criteria 13 December 2019. Collection method: clinical testing. Allele origin: germline.
Comment: This variant was observed in the ICSL laboratory as part of a predisposition screen in an ostensibly healthy population. It had not been previously curated by ICSL or reported in the Human Gene Mutation Database (HGMD: prior to June 1st, 2018), and was therefore a candidate for classification through an automated scoring system. Utilizing variant allele frequency, disease prevalence and penetrance estimates, and inheritance mode, an automated score was calculated to assess if this variant is too frequent to cause the disease. Based on the score and internal cut-off values, a variant classified as benign is not then subjected to further curation. The score for this variant resulted in a classification of benign for this disease.

Genetic Services Laboratory, University of Chicago
Classification: Likely benign. Last evaluated: 2015-04-30. Review status: criteria provided, single submitter. Criteria: ACMG Guidelines, 2015. Collection method: clinical testing. Allele origin: germline.